The following is an entry in ClinVar:

ClinVar aggregate classification (germline): Uncertain significance (1 of 4 stars; one submission).

Conditions:
Alstrom syndrome (ALMS). Identifiers: Orphanet 64, MedGen C0268425, MONDO:0008763, OMIM 203800.

Submission:

Labcorp Genetics (formerly Invitae), Labcorp
Classification: Uncertain significance for Alstrom syndrome. Last evaluated: 2022-06-27. Review status: criteria provided, single submitter. Criteria: Invitae Variant Classification Sherloc (09022015). Collection method: clinical testing. Allele origin: germline.
Comment: In summary, the available evidence is currently insufficient to determine the role of this variant in disease. Therefore, it has been classified as a Variant of Uncertain Significance. Experimental studies and prediction algorithms are not available or were not evaluated, and the functional significance of this variant is currently unknown. This variant has not been reported in the literature in individuals affected with ALMS1-related conditions. This variant is not present in population databases (gnomAD no frequency). This variant, c.7215_7217del, results in the deletion of 1 amino acid(s) of the ALMS1 protein (p.Ile2406del), but otherwise preserves the integrity of the reading frame.

NM_001378454.1(ALMS1):c.7209TAT[1] (p.Ile2405del)

Gene: ALMS1 (ALMS1 centrosome and basal body associated protein; plus strand). Cytogenetic location: 2p13.1.
Variant type: Microsatellite.
Coding change: c.7209TAT[1] on transcript NM_001378454.1 (MANE Select); one copy of the 3-base unit TAT starting at c.7209; the reference has two copies in a row; one copy, 3 bases deleted.
Protein change: p.Ile2405del; deletes isoleucine 2405.
Molecular consequence: inframe deletion.
Genome position (GRCh38, 1-based): chr2:73,453,739-73,453,741, TAT deleted; deleting any 3 consecutive bases within chr2:73,453,734-73,453,741 gives the same sequence; the position shown is the placement nearest the transcript's 3' end. VCF-style (leftmost placement, unchanged base first): chr2-73453733-AATT-A. GRCh37 (hg19) VCF-style: chr2-73680860-AATT-A.
Other names: c.7212TAT[1], p.Ile2406del (NM_015120.4); short protein forms I2405del, I2406del.
Identifiers: ClinVar variation 2011323 (VCV002011323.4), dbSNP rs2103793048, ClinGen allele CA2580611661.